The following is an entry in ClinVar:

ClinVar aggregate classification (germline): Uncertain significance (1 of 4 stars; one submission).

Conditions:
Hereditary cancer-predisposing syndrome. Also called: Neoplastic Syndromes, Hereditary; Tumor predisposition; Hereditary neoplastic syndrome; Hereditary Cancer Syndrome. Identifiers: Orphanet 140162, MedGen C0027672, MeSH D009386, MONDO:0015356.

Allele frequency attached by ClinVar (database versions not stated): gnomAD exomes below 0.00001.
gnomAD v4.1: 3 of 1,611,058 alleles (0.00019%); highest among the groups gnomAD compares: African/African-American, 0.004%; no homozygotes.

Submission:

Ambry Genetics
Classification: Uncertain significance for Hereditary cancer-predisposing syndrome. Last evaluated: 2025-04-09. Review status: criteria provided, single submitter. Criteria: Ambry Variant Classification Scheme 2023. Collection method: clinical testing. Allele origin: germline.
Comment: The c.3610+3A>T intronic variant results from an A to T substitution 3 nucleotides after coding exon 29 in the TSC2 gene. This nucleotide position is highly conserved in available vertebrate species. In silico splice site analysis for this alteration is inconclusive. Since supporting evidence is limited at this time, the clinical significance of this alteration remains unclear.

NM_000548.5(TSC2):c.3610+3A>T

Gene: TSC2 (TSC complex subunit 2; plus strand). Cytogenetic location: 16p13.3.
Variant type: single nucleotide variant.
Coding change: c.3610+3A>T on transcript NM_000548.5 (MANE Select); 3 bases into the intron after coding-DNA position 3610, A replaced by T.
Molecular consequence: intron variant.
Genome position (GRCh38, 1-based): chr16:2,080,380, A>T. VCF-style: chr16-2080380-A-T. GRCh37 (hg19) VCF-style: chr16-2130381-A-T.
Other names: c.2137+3A>T (NM_001406693.1, NM_001406690.1, NM_001406692.1 and 1 more transcripts); c.3571+3A>T (NM_001406667.1); c.3568+3A>T (NM_001406668.1); c.3010+3A>T (NM_001406680.1, NM_001406683.1, NM_001406682.1); c.2878+3A>T (NM_001406687.1, NM_001318831.2, NM_001406688.1); c.2266+3A>T (NM_001406689.1); c.2134+3A>T (NM_001406691.1, NM_001406697.1, NM_001406695.1 and 1 more transcripts); c.1876+3A>T (NM_001406698.1); and 18 more.
Identifiers: ClinVar variation 3232149 (VCV003232149.2), dbSNP rs760153227, ClinGen allele CA973770849.